The following is an entry in ClinVar:

ClinVar aggregate classification (germline): Pathogenic (1 of 4 stars; one submission).

Conditions:
Familial cancer of breast. Also called: Hereditary breast cancer; BREAST CANCER, FAMILIAL; hereditary breast carcinoma. Identifiers: Orphanet 227535, MedGen C0346153, MONDO:0016419, OMIM 114480. Disease mechanism: loss of function.

Submission:

Labcorp Genetics (formerly Invitae), Labcorp
Classification: Pathogenic for Familial cancer of breast. Last evaluated: 2017-01-09. Review status: criteria provided, single submitter. Criteria: Invitae Variant Classification Sherloc (09022015). Collection method: clinical testing. Allele origin: germline.
Comment: This variant is a gross deletion of the genomic region encompassing the last exon of the PALB2 gene. The 5' boundary is likely confined to intron 12. The 3' end of this event is unknown as it extends through the termination codon beyond the assayed region for this gene and may encompass additional genes. While this deletion is not anticipated to result in nonsense mediated decay, it is expected to create a truncated PALB2 protein. Loss-of-function variants and gross deletions in PALB2 are known to be pathogenic. A deletion of exon 13 has been reported in the literature in an individual with breast cancer (PMID: 25099575). Exon 13 encodes two WD40-like repeat motifs in the PALB2 gene. WD40 motifs are required for interaction with the BRCA2 protein (PMID: 16793542, 19609323). In vitro experiments have shown that loss of either of the two WD40 repeats encoded by exon 13 affects PALB2-BRCA2 interaction (PMID: 19423707). This exonic deletion is likely to truncate the PALB2 protein and abolish its DNA repair function. For these reasons, this variant has been classified as Pathogenic.

NC_000016.10:g.(?_23603162)_(23603669_?)del

Gene: PALB2 (partner and localizer of BRCA2; minus strand). Cytogenetic location: 16p12.2.
Variant type: Deletion.
Other names: c.3351-?_*297+?del (LRG_308t1).
Identifiers: ClinVar variation 241562 (VCV000241562.2).